The following is an entry in ClinVar:

NM_007294.4(BRCA1):c.5407-193A>G

Gene: BRCA1 (BRCA1 DNA repair associated; minus strand). Cytogenetic location: 17q21.31.
Variant type: single nucleotide variant.
Coding change: c.5407-193A>G on transcript NM_007294.4 (MANE Select); 193 bases into the intron before coding-DNA position 5407, A replaced by G.
Molecular consequence: intron variant.
Genome position (GRCh38, 1-based): chr17:43,047,896, T>C on the plus strand (A>G on the coding strand, the complement: BRCA1 is on the minus strand). VCF-style: chr17-43047896-T-C. GRCh37 (hg19) VCF-style: chr17-41199913-T-C.
Other names: IVS 22-193A>G; c.2092-193A>G (NM_001408392.1, NM_001408397.1, NM_001408401.1 and 7 more transcripts); c.2095-193A>G (NM_001407986.1, NM_001407979.1, NM_001407982.1 and 10 more transcripts); c.2161-193A>G (NM_001407972.1); c.5401-193A>G (NM_001407630.1, NM_001407633.1, NM_001407642.1 and 13 more transcripts); c.5404-193A>G (NM_001407615.1, NM_001407625.1, NM_001407619.1 and 14 more transcripts); c.5467-193A>G (NM_001407591.1, NM_001407590.1); c.1972-193A>G (NM_001408441.1, NM_001408437.1, NM_001408442.1 and 10 more transcripts); and 84 more.
Identifiers: ClinVar variation 209243 (VCV000209243.5), dbSNP rs8176310, ClinGen allele CA276215.

ClinVar aggregate classification (germline): Benign. Review status: reviewed by expert panel (3 of 4 stars). 3 submissions from 3 submitters: Benign (1). 2 of the submissions do not count toward it. Last evaluated 2015-01-12.

Conditions:
Breast-ovarian cancer, familial, susceptibility to, 1 (BROVCA1). Also called: BRCA1 Hereditary Breast and Ovarian Cancer; OVARIAN CANCER, SUSCEPTIBILITY TO. Identifiers: Orphanet 145, MedGen C2676676, MONDO:0011450, OMIM 604370. Disease mechanism: loss of function.

Allele frequency attached by ClinVar (database versions not stated): gnomAD 0.48363 and 0.48737; TOPMed 0.48672; 1000 Genomes Project 0.53395; 1000 Genomes Project 30x 0.53748.
gnomAD v4.1: 73,173 of 151,786 alleles (48%); highest among the groups gnomAD compares: African/African-American, 81%; 20,953 homozygotes.

Submissions (3):

Evidence-based Network for the Interpretation of Germline Mutant Alleles (ENIGMA)
Classification: Benign for Breast-ovarian cancer, familial 1. Last evaluated: 2015-01-12. Review status: reviewed by expert panel. Criteria: ENIGMA BRCA1/2 Classification Criteria (2015). Collection method: curation. Allele origin: germline.
Comment: Class 1 not pathogenic based on frequency >1% in an outbred sampleset. Frequency 0.3304 (Asian), 0.1362 (African), 0.3694 (European), derived from 1000 genomes (2012-04-30).

Laboratory of Genetics, Children's Clinical University Hospital Latvia
Classification: Benign. Last evaluated: 2025-02-16. Review status: criteria provided, single submitter. Criteria: ACMG Guidelines, 2015. Collection method: clinical testing. Allele origin: germline. Affected: yes. Not counted in ClinVar's aggregate classification.

GeneDx
Classification: Benign. Last evaluated: 2018-06-23. Review status: criteria provided, single submitter. Criteria: GeneDx Variant Classification Process June 2021. Collection method: clinical testing. Allele origin: germline. Affected: yes. Not counted in ClinVar's aggregate classification.